The following is an entry in ClinVar:

NM_004370.6(COL12A1):c.3626G>A (p.Ser1209Asn)

Gene: COL12A1 (collagen type XII alpha 1 chain; minus strand). Cytogenetic location: 6q13.
Variant type: single nucleotide variant.
Coding change: c.3626G>A on transcript NM_004370.6 (MANE Select); coding-DNA position 3626, G replaced by A.
Protein change: p.Ser1209Asn; replaces serine 1209 with asparagine.
Molecular consequence: missense variant.
Genome position (GRCh38, 1-based): chr6:75,152,422, C>T on the plus strand (G>A on the coding strand, the complement: COL12A1 is on the minus strand). VCF-style: chr6-75152422-C-T. GRCh37 (hg19) VCF-style: chr6-75862138-C-T.
Other names: c.3626G>A, p.Ser1209Asn (NM_001424113.1, NM_001424114.1); c.3353G>A, p.Ser1118Asn (NM_001424115.1); c.134G>A, p.Ser45Asn (NM_001424116.1, NM_080645.3); short protein forms S1209N, S1118N, S45N.
Identifiers: ClinVar variation 4793078 (VCV004793078.1).

ClinVar aggregate classification (germline): Uncertain significance (1 of 4 stars; one submission).

Conditions:
Ullrich congenital muscular dystrophy 2 (UCMD2). Identifiers: Orphanet 75840, MedGen C4225314, MONDO:0014654, OMIM 616470.
Bethlem myopathy 2 (BTHLM2). Identifiers: Orphanet 536516, Orphanet 610, MedGen C4225313, MONDO:0034022, OMIM 616471.

gnomAD v4.1: 1 of 1,613,720 alleles (0.000062%); highest among the groups gnomAD compares: Non-Finnish European, 0.000085%; no homozygotes.

Submission:

Labcorp Genetics (formerly Invitae), Labcorp
Classification: Uncertain significance for Bethlem myopathy 2; Ullrich congenital muscular dystrophy 2. Last evaluated: 2025-09-22. Review status: criteria provided, single submitter. Criteria: Invitae Variant Classification Sherloc (09022015). Collection method: clinical testing. Allele origin: germline.
Comment: This sequence change replaces serine, which is neutral and polar, with asparagine, which is neutral and polar, at codon 1209 of the COL12A1 protein (p.Ser1209Asn). This variant is not present in population databases (gnomAD no frequency). This variant has not been reported in the literature in individuals affected with COL12A1-related conditions. Invitae Evidence Modeling of protein sequence and biophysical properties (such as structural, functional, and spatial information, amino acid conservation, physicochemical variation, residue mobility, and thermodynamic stability) has been performed for this missense variant. However, the output from this modeling did not meet the statistical confidence thresholds required to predict the impact of this variant on COL12A1 protein function. In summary, the available evidence is currently insufficient to determine the role of this variant in disease. Therefore, it has been classified as a Variant of Uncertain Significance.